The following is an entry in ClinVar:

NM_000179.3(MSH6):c.3029C>T (p.Thr1010Ile)

Gene: MSH6 (mutS homolog 6; plus strand). Cytogenetic location: 2p16.3.
Variant type: single nucleotide variant.
Coding change: c.3029C>T on transcript NM_000179.3 (MANE Select); coding-DNA position 3029, C replaced by T.
Protein change: p.Thr1010Ile; replaces threonine 1010 with isoleucine.
Molecular consequence: missense variant.
Genome position (GRCh38, 1-based): chr2:47,801,012, C>T. VCF-style: chr2-47801012-C-T. GRCh37 (hg19) VCF-style: chr2-48028151-C-T.
Other names: c.2639C>T, p.Thr880Ile (NM_001281492.2); c.2123C>T, p.Thr708Ile (NM_001281493.2, NM_001281494.2); short protein forms T1010I, T708I, T880I.
Identifiers: ClinVar variation 487033 (VCV000487033.22), dbSNP rs768925694, ClinGen allele CA069975.

ClinVar aggregate classification (germline): Conflicting classifications of pathogenicity. Review status: criteria provided, conflicting classifications (1 of 4 stars). 6 submissions from 6 submitters: Uncertain significance (4); Likely benign (2). Last evaluated 2024-04-25.

Conditions:
Hereditary nonpolyposis colorectal neoplasms. Identifiers: MedGen C0009405, MeSH D003123.
Hereditary cancer-predisposing syndrome. Also called: Tumor predisposition; Hereditary Cancer Syndrome; Hereditary neoplastic syndrome; Neoplastic Syndromes, Hereditary. Identifiers: Orphanet 140162, MedGen C0027672, MeSH D009386, MONDO:0015356.
Lynch syndrome. Identifiers: Orphanet 144, MedGen C4552100, MONDO:0005835. Disease mechanism: loss of function.
Endometrial carcinoma. Also called: Endometrial carcinoma, somatic. Identifiers: MedGen C0476089, MONDO:0002447, OMIM 608089, HP:0012114.

Allele frequency attached by ClinVar (database versions not stated): gnomAD exomes below 0.00001; ExAC 0.00001.
gnomAD v4.1: 1 of 1,571,708 alleles (0.000064%); highest among the groups gnomAD compares: South Asian, 0.0012%; no homozygotes.

Submissions (6):

All of Us Research Program, National Institutes of Health
Classification: Uncertain significance for Lynch syndrome. Last evaluated: 2024-04-25. Review status: criteria provided, single submitter. Criteria: ACMG Guidelines, 2015. Collection method: clinical testing. Allele origin: germline. Inheritance: Autosomal dominant inheritance. Observed: 1 variant allele, 1 heterozygote.
Comment: This missense variant replaces threonine with isoleucine at codon 1010 of the MSH6 protein. Computational prediction suggests that this variant may not impact protein structure and function (internally defined REVEL score threshold <= 0.5, PMID: 27666373). To our knowledge, functional studies have not been reported for this variant. This variant has not been reported in individuals affected with MSH6-related disorders in the literature. This variant has been identified in 1/217938 chromosomes in the general population by the Genome Aggregation Database (gnomAD). The available evidence is insufficient to determine the role of this variant in disease conclusively. Therefore, this variant is classified as a Variant of Uncertain Significance.

This study involves interpretation of variants in research participants for the purpose of population health screening. Participant phenotype was not available at the time of variant classification. Additional details can be found in publication PMID: 35346344, PMCID: PMC8962531

Color Diagnostics, LLC DBA Color Health
Classification: Uncertain significance for Hereditary cancer-predisposing syndrome. Last evaluated: 2024-04-12. Review status: criteria provided, single submitter. Criteria: ACMG Guidelines, 2015. Collection method: clinical testing. Allele origin: germline.
Comment: This missense variant replaces threonine with isoleucine at codon 1010 of the MSH6 protein. Computational prediction suggests that this variant may not impact protein structure and function (internally defined REVEL score threshold <= 0.5, PMID: 27666373). To our knowledge, functional studies have not been reported for this variant. This variant has not been reported in individuals affected with MSH6-related disorders in the literature. This variant has been identified in 1/217938 chromosomes in the general population by the Genome Aggregation Database (gnomAD). The available evidence is insufficient to determine the role of this variant in disease conclusively. Therefore, this variant is classified as a Variant of Uncertain Significance.

Baylor Genetics
Classification: Uncertain significance for Endometrial carcinoma. Last evaluated: 2024-03-05. Review status: criteria provided, single submitter. Criteria: ACMG Guidelines, 2015. Collection method: clinical testing. Allele origin: unknown.

Labcorp Genetics (formerly Invitae), Labcorp
Classification: Likely benign for Hereditary nonpolyposis colorectal neoplasms. Last evaluated: 2024-02-12. Review status: criteria provided, single submitter. Criteria: Invitae Variant Classification Sherloc (09022015). Collection method: clinical testing. Allele origin: germline.

Ambry Genetics
Classification: Uncertain significance for Hereditary cancer-predisposing syndrome. Last evaluated: 2021-12-09. Review status: criteria provided, single submitter. Criteria: Ambry Variant Classification Scheme 2023. Collection method: clinical testing. Allele origin: germline.
Comment: The p.T1010I variant (also known as c.3029C>T), located in coding exon 4 of the MSH6 gene, results from a C to T substitution at nucleotide position 3029. The threonine at codon 1010 is replaced by isoleucine, an amino acid with similar properties. This amino acid position is not well conserved in available vertebrate species. In addition, the in silico prediction for this alteration is inconclusive. Since supporting evidence is limited at this time, the clinical significance of this alteration remains unclear.

University of Washington Department of Laboratory Medicine, University of Washington
Classification: Likely benign for Lynch syndrome. Last evaluated: 2018-05-01. Review status: criteria provided, single submitter. Criteria: Shirts BH et al. (Am J Hum Genet 2018). Collection method: clinical testing. Allele origin: somatic. Affected: yes.
Comment: MSH6 NM_000179.2:c.3029C>T has a 2.2% probability of pathogenicity based on combining prior probability from public data with a likelihood ratio of 0.20 to 1, generated from evidence of seeing this as a somatic mutation in a tumor without loss of heterozygosity at the MSH6 locus. See Shirts et al 2018, PMID 29887214.